The following is an entry in ClinVar:

ClinVar aggregate classification (germline): Uncertain significance (1 of 4 stars; one submission).

Conditions:
Fabry disease. Also called: ALPHA-GALACTOSIDASE A DEFICIENCY; ANDERSON-FABRY DISEASE; CERAMIDE TRIHEXOSIDASE DEFICIENCY; GLA DEFICIENCY; HEREDITARY DYSTOPIC LIPIDOSIS; Angiokeratoma corporis diffusum. Identifiers: Orphanet 324, MedGen C0002986, MONDO:0010526, OMIM 301500, HP:0001071. Disease mechanism: Fabry disease is due to inactivating mutations in the X-linked GLA gene resulting in deficiency of the enzyme Alpha Galactosidase-A., loss of function.

Submission:

Genomenon, Inc
Classification: Uncertain significance for Fabry disease. Last evaluated: 2026-09-08. Review status: criteria provided, single submitter. Criteria: Genomenon Sequence Variant Interpretation Standards - Updated. Collection method: curation. Allele origin: germline. Affected: yes.
Comment: GLA p.Pro210Leu (c.629C>T) is a missense variant that changes the amino acid at codon 210 from Proline to Leucine. This variant has been observed in at least one proband with clinical features consistent with Fabry disease (PMID:25965380). Functional or patient cell studies have been reported (PMID:24386359;27896103;27657681). It is absent or not present at a significant frequency in gnomAD. In conclusion, we classify GLA p.Pro210Leu (c.629C>T) as a variant of uncertain significance.

Literature cited by the submitters: PubMed 25965380; PubMed 24386359; PubMed 27896103; PubMed 27657681.

NM_000169.3(GLA):c.629C>T (p.Pro210Leu)

Genes: GLA (galactosidase alpha; minus strand), RPL36A-HNRNPH2 (RPL36A-HNRNPH2 readthrough; plus strand). Cytogenetic location: Xq22.1.
Variant type: single nucleotide variant.
Coding change: c.629C>T on transcript NM_000169.3 (MANE Select); coding-DNA position 629, C replaced by T.
Protein change: p.Pro210Leu; replaces proline 210 with leucine.
Molecular consequence: missense variant. On other transcripts: non-coding transcript variant (2), intron variant (2).
Genome position (GRCh38, 1-based): chrX:101,400,676, G>A on the plus strand (C>T on the coding strand, the complement: GLA is on the minus strand). VCF-style: chrX-101400676-G-A. GRCh37 (hg19) VCF-style: chrX-100655664-G-A.
Other names: c.752C>T, p.Pro251Leu (NM_001406747.1); c.629C>T, p.Pro210Leu (NM_001406748.1); c.300+5219G>A (NM_001199973.2); c.177+8854G>A (NM_001199974.2); short protein forms P210L, P251L.
Identifiers: ClinVar variation 4087443 (VCV004087443.2).